The following is an entry in ClinVar:

ClinVar aggregate classification (germline): Likely pathogenic (1 of 4 stars; one submission).

Conditions:
Cardiac valvular dysplasia 2 (CVDP2). Identifiers: MedGen C5774226, MONDO:0859572, OMIM 620067.

Submission:

Juno Genomics, Hangzhou Juno Genomics, Inc
Classification: Likely pathogenic for Cardiac valvular dysplasia 2. Review status: criteria provided, single submitter. Criteria: ACMG Guidelines, 2015. Collection method: clinical testing. Allele origin: germline.
Comment: Null variant in a gene where loss of function (LOF) is a known mechanism of disease.;Absent from controls (or at extremely low frequency if recessive) in Genome Aggregation Database.

NM_133638.6(ADAMTS19):c.2057del (p.Cys686fs)

Gene: ADAMTS19 (ADAM metallopeptidase with thrombospondin type 1 motif 19; plus strand). Cytogenetic location: 5q23.3.
Variant type: Deletion.
Coding change: c.2057del on transcript NM_133638.6 (MANE Select); coding-DNA position 2057, one base deleted (G; older notation c.2057delG).
Protein change: p.Cys686fs; shifts the reading frame from cysteine 686.
Molecular consequence: frameshift variant.
Genome position (GRCh38, 1-based): chr5:129,648,851, G deleted. VCF-style (leftmost placement, unchanged base first): chr5-129648850-TG-T. GRCh37 (hg19) VCF-style: chr5-128984543-TG-T.
Other names: short protein forms C686fs.
Identifiers: ClinVar variation 5006834 (VCV005006834.2).